The following is an entry in ClinVar:

Conditions:
Long QT syndrome 5 (LQT5). Identifiers: Orphanet 101016, Orphanet 768, MedGen C1867904, MONDO:0013372, OMIM 613695.

Submission:

Roden Lab, Vanderbilt University Medical Center
No classification provided (evidence only). Condition: Long QT syndrome 5. Review status: no classification provided. Collection method: in vitro. Allele origin: not applicable. Functional consequence: Effect on ion channel function.
ClinVar note: "not provided" was previously submitted as the classification for the variant. However, the classification appeared to be based only on an observation of functional data so it was converted to no classification on 2025-07-30.

NM_000219.6(KCNE1):c.241T>C (p.Tyr81His)

Gene: KCNE1 (potassium voltage-gated channel subfamily E regulatory subunit 1; minus strand). Cytogenetic location: 21q22.12.
Variant type: single nucleotide variant.
Coding change: c.241T>C on transcript NM_000219.6 (MANE Select); coding-DNA position 241, T replaced by C.
Protein change: p.Tyr81His; replaces tyrosine 81 with histidine.
Molecular consequence: missense variant.
Genome position (GRCh38, 1-based): chr21:34,449,394, A>G on the plus strand (T>C on the coding strand, the complement: KCNE1 is on the minus strand). VCF-style: chr21-34449394-A-G. GRCh37 (hg19) VCF-style: chr21-35821692-A-G.
Other names: c.241T>C, p.Tyr81His (NM_001127668.4, NM_001127669.4, NM_001127670.4 and 4 more transcripts); short protein forms Y81H.
Identifiers: ClinVar variation 3374416 (VCV003374416.2).